The following is an entry in ClinVar:

ClinVar aggregate classification (germline): Benign/Likely benign. Review status: criteria provided, multiple submitters, no conflicts (2 of 4 stars). 4 submissions from 4 submitters: Benign (1); Likely benign (2). 1 of the submissions does not count toward it. Last evaluated 2026-06-01.

Conditions:
CNGA3-related disorder. Also called: CNGA3-related condition.
Achromatopsia 2 (ACHM2). Also called: COLORBLINDNESS, TOTAL; ROD MONOCHROMACY 2; ROD MONOCHROMATISM 2. Identifiers: Orphanet 49382, MedGen C1857618, MONDO:0009003, OMIM 216900.

Allele frequency attached by ClinVar (database versions not stated): TOPMed 0.00006; ESP Exome Variant Server 0.00008; gnomAD 0.00035 and 0.00002; 1000 Genomes Project 30x 0.00141; ExAC 0.00144; 1000 Genomes Project 0.00160.
gnomAD v4.1: 930 of 1,614,024 alleles (0.058%); highest among the groups gnomAD compares: South Asian, 0.95%; 10 homozygotes.

Submissions (4):

CeGaT Center for Human Genetics Tuebingen
Classification: Likely benign. Last evaluated: 2026-06-01. Review status: criteria provided, single submitter. Criteria: CeGaT Center For Human Genetics Tuebingen Variant Classification Criteria Version 2. Collection method: clinical testing. Allele origin: germline. Affected: yes. Observed: 1 variant allele.
Comment: CNGA3: BS2

Labcorp Genetics (formerly Invitae), Labcorp
Classification: Benign. Last evaluated: 2026-01-28. Review status: criteria provided, single submitter. Criteria: Invitae Variant Classification Sherloc (09022015). Collection method: clinical testing. Allele origin: germline.

Illumina Laboratory Services, Illumina
Classification: Likely benign for Achromatopsia 2. Last evaluated: 2017-05-30. Review status: criteria provided, single submitter. Criteria: ICSL Variant Classification Criteria 13 December 2019. Collection method: clinical testing. Allele origin: germline.
Comment: This variant was observed as part of a predisposition screen in an ostensibly healthy population. A literature search was performed for the gene, cDNA change, and amino acid change (where applicable). No publications were found based on this search. Allele frequency data from public databases allowed determination this variant is unlikely to cause disease. Therefore, this variant is classified as likely benign.

PreventionGenetics, part of Exact Sciences
Classification: Benign for CNGA3-related condition. Last evaluated: 2020-06-10. Review status: no assertion criteria provided. Collection method: clinical testing. Allele origin: germline. Not counted in ClinVar's aggregate classification.
Comment: This variant is classified as benign based on ACMG/AMP sequence variant interpretation guidelines (Richards et al. 2015 PMID: 25741868, with internal and published modifications).

NM_001298.3(CNGA3):c.59C>T (p.Thr20Ile)

Gene: CNGA3 (cyclic nucleotide gated channel subunit alpha 3; plus strand). Cytogenetic location: 2q11.2.
Variant type: single nucleotide variant.
Coding change: c.59C>T on transcript NM_001298.3 (MANE Select); coding-DNA position 59, C replaced by T.
Protein change: p.Thr20Ile; replaces threonine 20 with isoleucine.
Molecular consequence: missense variant.
Genome position (GRCh38, 1-based): chr2:98,370,034, C>T. VCF-style: chr2-98370034-C-T. GRCh37 (hg19) VCF-style: chr2-98986497-C-T.
Other names: c.59C>T, p.Thr20Ile (NM_001079878.2); short protein forms T20I.
Identifiers: ClinVar variation 895315 (VCV000895315.15), dbSNP rs143489966, ClinGen allele CA1793544.
Genomic context (GRCh38, chr2:98,370,034, plus strand): 5'-AGATGGCCAAGATCAACACCCAATACTCCCACCCCTCCAGGACCCACCTCAAGGTAAAGA[C>T]CTCAGACCGAGATCTCAATCGCGCTGAAAATGGCCTCAGCAGGTAAGATGGGCTAAGATG-3'
Protein context (NP_001289.1, residues 10-30): HPSRTHLKVK[Thr20Ile]SDRDLNRAEN